The following is an entry in ClinVar:

ClinVar aggregate classification (germline): Uncertain significance (1 of 4 stars; one submission).

Conditions:
Fanconi anemia (FA). Also called: Fanconi's anemia. Identifiers: Orphanet 84, MedGen C0015625, MeSH D005199, MONDO:0019391.

Allele frequency attached by ClinVar (database versions not stated): gnomAD exomes below 0.00001.
gnomAD v4.1: 1 of 1,208,607 alleles (0.000083%); highest among the groups gnomAD compares: Non-Finnish European, 0.00011%; no homozygotes.

Submission:

Labcorp Genetics (formerly Invitae), Labcorp
Classification: Uncertain significance for Fanconi anemia. Last evaluated: 2023-01-30. Review status: criteria provided, single submitter. Criteria: Invitae Variant Classification Sherloc (09022015). Collection method: clinical testing. Allele origin: germline.
Comment: In summary, the available evidence is currently insufficient to determine the role of this variant in disease. Therefore, it has been classified as a Variant of Uncertain Significance. Advanced modeling of protein sequence and biophysical properties (such as structural, functional, and spatial information, amino acid conservation, physicochemical variation, residue mobility, and thermodynamic stability) performed at Invitae indicates that this missense variant is not expected to disrupt FANCB protein function. This variant has not been reported in the literature in individuals affected with FANCB-related conditions. This variant is not present in population databases (gnomAD no frequency). This sequence change replaces threonine, which is neutral and polar, with serine, which is neutral and polar, at codon 505 of the FANCB protein (p.Thr505Ser).

NM_001018113.3(FANCB):c.1514C>G (p.Thr505Ser)

Gene: FANCB (FA complementation group B; minus strand). Cytogenetic location: Xp22.2.
Variant type: single nucleotide variant.
Coding change: c.1514C>G on transcript NM_001018113.3 (MANE Select); coding-DNA position 1514, C replaced by G.
Protein change: p.Thr505Ser; replaces threonine 505 with serine.
Molecular consequence: missense variant.
Genome position (GRCh38, 1-based): chrX:14,845,269, G>C on the plus strand (C>G on the coding strand, the complement: FANCB is on the minus strand). VCF-style: chrX-14845269-G-C. GRCh37 (hg19) VCF-style: chrX-14863391-G-C.
Other names: c.1514C>G, p.Thr505Ser (NM_001324162.2, NM_001410764.1, NM_152633.4); short protein forms T505S.
Identifiers: ClinVar variation 3022737 (VCV003022737.3), dbSNP rs2518954488, ClinGen allele CA412440612.
Genomic context (GRCh38, chrX:14,845,269, plus strand): 5'-TTTTGACACTTTAGAAGCCGAAATCTGGAGTCATGGGCTTGATCCATTAACAATGATAAA[G>C]TCACATCATTCAGGGACCTGTAAAAAACCCAGACTTTGGTTTAATCTAAAAGCTCATTCT-3'
Protein context (NP_001018123.1, residues 495-515): SSLKLSLNDV[Thr505Ser]LSLLMDQAHD